The following is an entry in ClinVar:

ClinVar aggregate classification (germline): Uncertain significance (1 of 4 stars; one submission).

Conditions:
Hereditary cancer-predisposing syndrome. Also called: Neoplastic Syndromes, Hereditary; Tumor predisposition; Hereditary neoplastic syndrome; Hereditary Cancer Syndrome. Identifiers: Orphanet 140162, MedGen C0027672, MeSH D009386, MONDO:0015356.

Submission:

Ambry Genetics
Classification: Uncertain significance for Hereditary cancer-predisposing syndrome. Last evaluated: 2024-06-12. Review status: criteria provided, single submitter. Criteria: Ambry Variant Classification Scheme 2023. Collection method: clinical testing. Allele origin: germline.
Comment: The p.N1066D variant (also known as c.3196A>G), located in coding exon 21 of the RAD50 gene, results from an A to G substitution at nucleotide position 3196. The asparagine at codon 1066 is replaced by aspartic acid, an amino acid with highly similar properties. This amino acid position is conserved. In addition, this alteration is predicted to be tolerated by in silico analysis. Based on the available evidence, the clinical significance of this variant remains unclear.

NM_005732.4(RAD50):c.3196A>G (p.Asn1066Asp)

Gene: RAD50 (RAD50 double strand break repair protein; plus strand). Cytogenetic location: 5q31.1.
Variant type: single nucleotide variant.
Coding change: c.3196A>G on transcript NM_005732.4 (MANE Select); coding-DNA position 3196, A replaced by G.
Protein change: p.Asn1066Asp; replaces asparagine 1066 with aspartic acid.
Molecular consequence: missense variant.
Genome position (GRCh38, 1-based): chr5:132,618,101, A>G. VCF-style: chr5-132618101-A-G. GRCh37 (hg19) VCF-style: chr5-131953793-A-G.
Other names: short protein forms N1066D.
Identifiers: ClinVar variation 3312341 (VCV003312341.1).
Genomic context (GRCh38, chr5:132,618,101, plus strand): 5'-TCCTCATTTGTCATTTTTCTTTTTTACAGTGAACATCAGAAGTTGGAAGAGAACATAGAC[A>G]ATATAAAAAGAAATCATAATTTGGCATTAGGGCGACAGAAAGGTTATGAAGAAGAAATTA-3'
Protein context (NP_005723.2, residues 1056-1076): EHQKLEENID[Asn1066Asp]IKRNHNLALG